The following is an entry in ClinVar:

NM_001206927.2(DNAH8):c.12511A>T (p.Met4171Leu)

Gene: DNAH8 (dynein axonemal heavy chain 8; plus strand). Cytogenetic location: 6p21.2.
Variant type: single nucleotide variant.
Coding change: c.12511A>T on transcript NM_001206927.2 (MANE Select); coding-DNA position 12511, A replaced by T.
Protein change: p.Met4171Leu; replaces methionine 4171 with leucine.
Molecular consequence: missense variant.
Genome position (GRCh38, 1-based): chr6:38,971,651, A>T. VCF-style: chr6-38971651-A-T. GRCh37 (hg19) VCF-style: chr6-38939427-A-T.
Other names: c.11860A>T, p.Met3954Leu (NM_001371.4); short protein forms M4171L, M3954L.
Identifiers: ClinVar variation 2728832 (VCV002728832.3), dbSNP rs1366073824, ClinGen allele CA364002093.

ClinVar aggregate classification (germline): Uncertain significance (1 of 4 stars; one submission).

Conditions:
Primary ciliary dyskinesia. Also called: Ciliary dyskinesia. Identifiers: Orphanet 244, MedGen C0008780, MONDO:0016575, HP:0012265.

Submission:

Labcorp Genetics (formerly Invitae), Labcorp
Classification: Uncertain significance for Primary ciliary dyskinesia. Last evaluated: 2023-07-01. Review status: criteria provided, single submitter. Criteria: Invitae Variant Classification Sherloc (09022015). Collection method: clinical testing. Allele origin: germline.
Comment: In summary, the available evidence is currently insufficient to determine the role of this variant in disease. Therefore, it has been classified as a Variant of Uncertain Significance. Advanced modeling of protein sequence and biophysical properties (such as structural, functional, and spatial information, amino acid conservation, physicochemical variation, residue mobility, and thermodynamic stability) performed at Invitae indicates that this missense variant is not expected to disrupt DNAH8 protein function. This variant has not been reported in the literature in individuals affected with DNAH8-related conditions. This variant is not present in population databases (gnomAD no frequency). This sequence change replaces methionine, which is neutral and non-polar, with leucine, which is neutral and non-polar, at codon 4171 of the DNAH8 protein (p.Met4171Leu).